The following is an entry in ClinVar:

NM_004423.4(DVL3):c.1938C>G (p.Ser646Arg)

Gene: DVL3 (dishevelled segment polarity protein 3; plus strand). Cytogenetic location: 3q27.1.
Variant type: single nucleotide variant.
Coding change: c.1938C>G on transcript NM_004423.4 (MANE Select); coding-DNA position 1938, C replaced by G.
Protein change: p.Ser646Arg; replaces serine 646 with arginine.
Molecular consequence: missense variant.
Genome position (GRCh38, 1-based): chr3:184,170,542, C>G. VCF-style: chr3-184170542-C-G. GRCh37 (hg19) VCF-style: chr3-183888330-C-G.
Other names: c.1938C>G (NM_004423.3); short protein forms S646R.
Identifiers: ClinVar variation 1346975 (VCV001346975.7), dbSNP rs1560121399, ClinGen allele CA355416323.

ClinVar aggregate classification (germline): Uncertain significance. Review status: criteria provided, multiple submitters, no conflicts (2 of 4 stars). 2 submissions from 2 submitters: Uncertain significance (2). Last evaluated 2025-04-01.

Conditions:
DVL3-related disorder. Also called: DVL3-related condition.

Allele frequency attached by ClinVar (database versions not stated): gnomAD exomes below 0.00001.

Submissions (2):

PreventionGenetics, part of Exact Sciences
Classification: Uncertain significance for DVL3-related condition. Last evaluated: 2025-04-01. Review status: criteria provided, single submitter. Criteria: ACMG Guidelines, 2015. Collection method: clinical testing. Allele origin: germline.
Comment: The DVL3 c.1938C>G variant is predicted to result in the amino acid substitution p.Ser646Arg. To our knowledge, this variant has not been reported in the literature or in gnomAD, indicating this variant is rare. At this time, the clinical significance of this variant is uncertain due to the absence of conclusive functional and genetic evidence.

Labcorp Genetics (formerly Invitae), Labcorp
Classification: Uncertain significance. Last evaluated: 2021-08-16. Review status: criteria provided, single submitter. Criteria: Invitae Variant Classification Sherloc (09022015). Collection method: clinical testing. Allele origin: germline.
Comment: This sequence change replaces serine with arginine at codon 646 of the DVL3 protein (p.Ser646Arg). The serine residue is moderately conserved and there is a moderate physicochemical difference between serine and arginine. In summary, the available evidence is currently insufficient to determine the role of this variant in disease. Therefore, it has been classified as a Variant of Uncertain Significance. Algorithms developed to predict the effect of missense changes on protein structure and function are either unavailable or do not agree on the potential impact of this missense change (SIFT: "Deleterious"; PolyPhen-2: "Possibly Damaging"; Align-GVGD: "Class C0"). This variant has not been reported in the literature in individuals affected with DVL3-related conditions. This variant is not present in population databases (ExAC no frequency).